The following is an entry in ClinVar:

NM_001382567.1(STIM1):c.163_164del (p.Leu55fs)

Gene: STIM1 (stromal interaction molecule 1; plus strand). Cytogenetic location: 11p15.4.
Variant type: Deletion.
Coding change: c.163_164del on transcript NM_001382567.1 (MANE Select); coding-DNA positions 163 to 164, 2 bases deleted (CT; older notation c.163_164delCT).
Protein change: p.Leu55fs; shifts the reading frame from leucine 55.
Molecular consequence: frameshift variant. On other transcripts: 5 prime UTR variant (8), non-coding transcript variant (3), intron variant (4).
Genome position (GRCh38, 1-based): chr11:3,967,575-3,967,576, CT deleted. VCF-style (leftmost placement, unchanged base first): chr11-3967574-CCT-C. GRCh37 (hg19) VCF-style: chr11-3988804-CCT-C.
Other names: p.Leu55Valfs*4; c.163_164del (NM_003156.3); c.163_164del, p.Leu55fs (NM_001277961.3, NM_001277962.2, NM_001382568.1 and 3 more transcripts); c.-60_-59del (NM_001382566.1, NM_001382573.1, NM_001382574.1 and 5 more transcripts); c.-219-56298_-219-56297del (NM_001382580.1, NM_001382581.1); c.136-56298_136-56297del (NM_001382569.1); c.-98-56298_-98-56297del (NM_001382571.1); short protein forms L55fs.
Identifiers: ClinVar variation 1452705 (VCV001452705.7), dbSNP rs2135736277, ClinGen allele CA2573146289.

ClinVar aggregate classification (germline): Pathogenic/Likely pathogenic. Review status: criteria provided, multiple submitters, no conflicts (2 of 4 stars). 2 submissions from 2 submitters: Pathogenic (1); Likely pathogenic (1). Last evaluated 2025-09-16.

Conditions:
Stormorken syndrome (STRMK). Also called: THROMBOCYTOPATHY, ASPLENIA, AND MIOSIS. Identifiers: Orphanet 3204, MedGen C1861451, MONDO:0008497, OMIM 185070.
Combined immunodeficiency due to STIM1 deficiency. Also called: IMMUNODEFICIENCY 10; STIM1 DEFICIENCY. Identifiers: Orphanet 169090, Orphanet 317430, MedGen C2748557, MONDO:0013008, OMIM 612783.
Myopathy with tubular aggregates (TAM). Also called: Tubular Aggregate Myopathy. Identifiers: Orphanet 2593, MedGen C0410207, MONDO:0008051.

Submissions (2):

Mayo Clinic Laboratories, Mayo Clinic
Classification: Likely pathogenic. Last evaluated: 2025-09-16. Review status: criteria provided, single submitter. Criteria: ACMG Guidelines, 2015. Collection method: clinical testing. Allele origin: germline. Observed: 1 variant allele.
Comment: PM2_supporting, PVS1

Labcorp Genetics (formerly Invitae), Labcorp
Classification: Pathogenic for Myopathy with tubular aggregates; Combined immunodeficiency due to STIM1 deficiency; Stormorken syndrome. Last evaluated: 2021-09-20. Review status: criteria provided, single submitter. Criteria: Invitae Variant Classification Sherloc (09022015). Collection method: clinical testing. Allele origin: germline.
Comment: For these reasons, this variant has been classified as Pathogenic. This variant has not been reported in the literature in individuals affected with STIM1-related conditions. This variant is not present in population databases (ExAC no frequency). This sequence change creates a premature translational stop signal (p.Leu55Valfs*4) in the STIM1 gene. It is expected to result in an absent or disrupted protein product. Loss-of-function variants in STIM1 are known to be pathogenic (PMID: 19420366, 20876309).

Literature cited by the submitters: PubMed 19420366 (cited by Labcorp Genetics (formerly Invitae), Labcorp); PubMed 20876309 (cited by Labcorp Genetics (formerly Invitae), Labcorp).